The following is an entry in ClinVar:

NM_206933.4(USH2A):c.11654T>C (p.Ile3885Thr)

Gene: USH2A (usherin; minus strand). Cytogenetic location: 1q41.
Variant type: single nucleotide variant.
Coding change: c.11654T>C on transcript NM_206933.4 (MANE Select); coding-DNA position 11654, T replaced by C.
Protein change: p.Ile3885Thr; replaces isoleucine 3885 with threonine.
Molecular consequence: missense variant.
Genome position (GRCh38, 1-based): chr1:215,741,432, A>G on the plus strand (T>C on the coding strand, the complement: USH2A is on the minus strand). VCF-style: chr1-215741432-A-G. GRCh37 (hg19) VCF-style: chr1-215914774-A-G.
Other names: short protein forms I3885T.
Identifiers: ClinVar variation 3372845 (VCV003372845.2).

ClinVar aggregate classification (germline): Uncertain significance. Review status: criteria provided, multiple submitters, no conflicts (2 of 4 stars). 2 submissions from 2 submitters: Uncertain significance (2). Last evaluated 2024-04-25.

gnomAD v4.1: 3 of 1,613,980 alleles (0.00019%); highest among the groups gnomAD compares: African/African-American, 0.0013%; no homozygotes.

Submissions (2):

GeneDx
Classification: Uncertain significance. Last evaluated: 2024-04-25. Review status: criteria provided, single submitter. Criteria: GeneDx Variant Classification Process June 2021. Collection method: clinical testing. Allele origin: germline. Affected: yes.
Comment: Not observed at significant frequency in large population cohorts (gnomAD); In silico analysis supports that this missense variant has a deleterious effect on protein structure/function; Has not been previously published as pathogenic or benign to our knowledge

Blueprint Genetics
Classification: Uncertain significance. Last evaluated: 2019-01-09. Review status: criteria provided, single submitter. Criteria: ACMG Guidelines, 2015. Collection method: clinical testing. Allele origin: germline.